The following is an entry in ClinVar:

ClinVar aggregate classification (germline): Uncertain significance (1 of 4 stars; one submission).

gnomAD v4.1: 1 of 1,613,946 alleles (0.000062%); highest among the groups gnomAD compares: Non-Finnish European, 0.000085%; no homozygotes.

Submission:

Labcorp Genetics (formerly Invitae), Labcorp
Classification: Uncertain significance. Last evaluated: 2022-06-24. Review status: criteria provided, single submitter. Criteria: Invitae Variant Classification Sherloc (09022015). Collection method: clinical testing. Allele origin: germline.
Comment: In summary, the available evidence is currently insufficient to determine the role of this variant in disease. Therefore, it has been classified as a Variant of Uncertain Significance. Algorithms developed to predict the effect of missense changes on protein structure and function are either unavailable or do not agree on the potential impact of this missense change (SIFT: "Tolerated"; PolyPhen-2: "Not Available"; Align-GVGD: "Class C0"). This variant has not been reported in the literature in individuals affected with RIN2-related conditions. This variant is not present in population databases (gnomAD no frequency). This sequence change replaces arginine, which is basic and polar, with proline, which is neutral and non-polar, at codon 290 of the RIN2 protein (p.Arg290Pro).

NM_018993.4(RIN2):c.869G>C (p.Arg290Pro)

Gene: RIN2 (Ras and Rab interactor 2; plus strand). Cytogenetic location: 20p11.23.
Variant type: single nucleotide variant.
Coding change: c.869G>C on transcript NM_018993.4 (MANE Select); coding-DNA position 869, G replaced by C.
Protein change: p.Arg290Pro; replaces arginine 290 with proline.
Molecular consequence: missense variant.
Genome position (GRCh38, 1-based): chr20:19,974,894, G>C. VCF-style: chr20-19974894-G-C. GRCh37 (hg19) VCF-style: chr20-19955538-G-C.
Other names: c.1016G>C, p.Arg339Pro (NM_001242581.2); c.251G>C, p.Arg84Pro (NM_001378238.1); short protein forms R290P, R84P, R339P.
Identifiers: ClinVar variation 2010241 (VCV002010241.4), dbSNP rs766615196, ClinGen allele CA312415833.